The following is an entry in ClinVar:

NM_005996.4(TBX3):c.-29G>T

Genes: TBX3-AS1 (TBX3 antisense RNA 1; plus strand), TBX3 (T-box transcription factor 3; minus strand). Cytogenetic location: 12q24.21.
Variant type: single nucleotide variant.
Coding change: c.-29G>T on transcript NM_005996.4 (MANE Select); 29 bases upstream of the start codon, G replaced by T.
Molecular consequence: 5 prime UTR variant.
Genome position (GRCh38, 1-based): chr12:114,683,229, C>A on the plus strand (G>T on the coding strand, the complement: TBX3 is on the minus strand). VCF-style: chr12-114683229-C-A. GRCh37 (hg19) VCF-style: chr12-115121034-C-A.
Other names: c.-29G>T (NM_016569.4).
Identifiers: ClinVar variation 307379 (VCV000307379.5), dbSNP rs56112787, ClinGen allele CA6810293.
Genomic context (GRCh38, chr12:114,683,229, plus strand): 5'-GGAATGACCGGATCTCTCATGGAGAGGCTCATCCACTCCAGGCGGGGCGCTGGGCTCCAG[C>A]CGGGGACAAGTCCGCAGCTGCTGTGTTTTGTTGTTTTTTTGTTGTTGTTTAACAGCAGCA-3'

ClinVar aggregate classification (germline): Benign (1 of 4 stars; one submission).

Conditions:
Ulnar-mammary syndrome (UMS). Also called: SCHINZEL SYNDROME; Ulnar-mammary syndrome of Pallister; PALLISTER ULNAR-MAMMARY SYNDROME. Identifiers: Orphanet 3138, MedGen C1866994, MONDO:0008411, OMIM 181450.

Allele frequency attached by ClinVar (database versions not stated): ESP Exome Variant Server 0.00107; gnomAD 0.00356 and 0.00493; TOPMed 0.00383; gnomAD exomes 0.00544 and 0.01005; ExAC 0.01067; 1000 Genomes Project 30x 0.01686; 1000 Genomes Project 0.01877.
gnomAD v4.1: 8,811 of 1,605,572 alleles (0.55%); highest among the groups gnomAD compares: East Asian, 4.2%; 113 homozygotes.

Submission:

Illumina Laboratory Services, Illumina
Classification: Benign for Ulnar-mammary syndrome. Last evaluated: 2018-01-13. Review status: criteria provided, single submitter. Criteria: ICSL Variant Classification Criteria 13 December 2019. Collection method: clinical testing. Allele origin: germline.
Comment: This variant was observed in the ICSL laboratory as part of a predisposition screen in an ostensibly healthy population. It had not been previously curated by ICSL or reported in the Human Gene Mutation Database (HGMD: prior to June 1st, 2018), and was therefore a candidate for classification through an automated scoring system. Utilizing variant allele frequency, disease prevalence and penetrance estimates, and inheritance mode, an automated score was calculated to assess if this variant is too frequent to cause the disease. Based on the score and internal cut-off values, a variant classified as benign is not then subjected to further curation. The score for this variant resulted in a classification of benign for this disease.